The following is an entry in ClinVar:

ClinVar aggregate classification (germline): Benign/Likely benign. Review status: criteria provided, multiple submitters, no conflicts (2 of 4 stars). 11 submissions from 11 submitters: Benign (10); Likely benign (1). Last evaluated 2026-03-27.

Conditions:
Aortic aneurysm, familial thoracic 4 (AAT4). Also called: AORTIC ANEURYSM/AORTIC DISSECTION AND PATENT DUCTUS ARTERIOSUS. Identifiers: MedGen C1851504, MONDO:0007568, OMIM 132900.
Familial thoracic aortic aneurysm and aortic dissection (TAAD). Also called: Thoracic aortic aneurysms and dissections. Identifiers: Orphanet 91387, MedGen C4707243, MONDO:0019625.

Allele frequency attached by ClinVar (database versions not stated): gnomAD exomes 0.00294; gnomAD 0.01156 and 0.01232; ExAC 0.00386; TOPMed 0.01289; ESP Exome Variant Server 0.01331; 1000 Genomes Project 30x 0.01421; 1000 Genomes Project 0.01398.
gnomAD v4.1: 3,469 of 1,614,140 alleles (0.21%); highest among the groups gnomAD compares: African/African-American, 4.1%; 66 homozygotes.

Submissions (11):

Molecular Diagnostic Laboratory for Inherited Cardiovascular Disease, Montreal Heart Institute
Classification: Likely benign. Last evaluated: 2026-03-27. Review status: criteria provided, single submitter. Criteria: ACMG Guidelines, 2015. Collection method: clinical testing. Allele origin: germline. Affected: no.
Comment: BS1;BP4

Labcorp Genetics (formerly Invitae), Labcorp
Classification: Benign for Aortic aneurysm, familial thoracic 4. Last evaluated: 2026-02-04. Review status: criteria provided, single submitter. Criteria: Invitae Variant Classification Sherloc (09022015). Collection method: clinical testing. Allele origin: germline.

ARUP Laboratories, Molecular Genetics and Genomics, ARUP Laboratories
Classification: Benign. Last evaluated: 2024-10-21. Review status: criteria provided, single submitter. Criteria: ARUP Molecular Germline Variant Investigation Process 2024. Collection method: clinical testing. Allele origin: germline.

CHEO Genetics Diagnostic Laboratory, Children's Hospital of Eastern Ontario
Classification: Benign for Familial thoracic aortic aneurysm and aortic dissection. Last evaluated: 2023-03-21. Review status: criteria provided, single submitter. Criteria: ACMG Guidelines, 2015. Collection method: clinical testing. Allele origin: germline.

Color Diagnostics, LLC DBA Color Health
Classification: Benign for Familial thoracic aortic aneurysm and aortic dissection. Last evaluated: 2018-03-07. Review status: criteria provided, single submitter. Criteria: ACMG Guidelines, 2015. Collection method: clinical testing. Allele origin: germline.

Illumina Laboratory Services, Illumina
Classification: Benign for Aortic aneurysm, familial thoracic 4. Last evaluated: 2018-01-12. Review status: criteria provided, single submitter. Criteria: ICSL Variant Classification Criteria 13 December 2019. Collection method: clinical testing. Allele origin: germline.
Comment: This variant was observed in the ICSL laboratory as part of a predisposition screen in an ostensibly healthy population. It had not been previously curated by ICSL or reported in the Human Gene Mutation Database (HGMD: prior to June 1st, 2018), and was therefore a candidate for classification through an automated scoring system. Utilizing variant allele frequency, disease prevalence and penetrance estimates, and inheritance mode, an automated score was calculated to assess if this variant is too frequent to cause the disease. Based on the score and internal cut-off values, a variant classified as benign is not then subjected to further curation. The score for this variant resulted in a classification of benign for this disease.

Ambry Genetics
Classification: Benign for Familial thoracic aortic aneurysm and aortic dissection. Last evaluated: 2016-01-15. Review status: criteria provided, single submitter. Criteria: Ambry Variant Classification Scheme 2023. Collection method: clinical testing. Allele origin: germline.

Mayo Clinic Laboratories, Mayo Clinic
Classification: Benign. Last evaluated: 2015-09-23. Review status: criteria provided, single submitter. Criteria: ACMG Guidelines, 2015. Collection method: clinical testing. Allele origin: germline. Observed: 11 variant alleles.

GeneDx
Classification: Benign. Last evaluated: 2013-04-15. Review status: criteria provided, single submitter. Criteria: GeneDx Variant Classification (06012015). Collection method: clinical testing. Allele origin: germline. Affected: yes.
Comment: This variant is considered likely benign or benign based on one or more of the following criteria: it is a conservative change, it occurs at a poorly conserved position in the protein, it is predicted to be benign by multiple in silico algorithms, and/or has population frequency not consistent with disease.

Breakthrough Genomics
Classification: Benign. Review status: criteria provided, single submitter. Criteria: ACMG Guidelines, 2015. Collection method: not provided. Allele origin: germline. Inheritance: Autosomal recessive inheritance. Affected: yes.

PreventionGenetics, part of Exact Sciences
Classification: Benign. Review status: criteria provided, single submitter. Criteria: ACMG Guidelines, 2015. Collection method: clinical testing. Allele origin: germline.

NM_002474.3(MYH11):c.3310G>A (p.Ala1104Thr)

Gene: MYH11 (myosin heavy chain 11; minus strand). Cytogenetic location: 16p13.11.
Variant type: single nucleotide variant.
Coding change: c.3310G>A on transcript NM_002474.3 (MANE Select); coding-DNA position 3310, G replaced by A.
Protein change: p.Ala1104Thr; replaces alanine 1104 with threonine.
Molecular consequence: missense variant.
Genome position (GRCh38, 1-based): chr16:15,735,562, C>T on the plus strand (G>A on the coding strand, the complement: MYH11 is on the minus strand). VCF-style: chr16-15735562-C-T. GRCh37 (hg19) VCF-style: chr16-15829419-C-T.
Other names: p.A1104T:GCT>ACT; p.Ala1111Thr; c.3331G>A, p.Ala1111Thr (NM_001040113.2, NM_001040114.2); c.3310G>A, p.Ala1104Thr (NM_022844.3); short protein forms A1111T, A1104T.
Identifiers: ClinVar variation 138333 (VCV000138333.29), dbSNP rs34263860, ClinGen allele CA292281.